The following is an entry in ClinVar:

NC_000010.10:g.(?_73490206)_(73768229_?)dup

Genes: C10orf105 (chromosome 10 open reading frame 105; minus strand), CDH23 (cadherin related 23; plus strand), CHST3 (carbohydrate sulfotransferase 3; plus strand), PSAP (prosaposin; minus strand), VSIR (V-set immunoregulatory receptor; minus strand). Cytogenetic location: 10q22.1.
Variant type: Duplication.
Identifiers: ClinVar variation 1443769 (VCV001443769.5).

ClinVar aggregate classification (germline): Uncertain significance (1 of 4 stars; one submission).

Submission:

Labcorp Genetics (formerly Invitae), Labcorp
Classification: Uncertain significance. Last evaluated: 2022-04-24. Review status: criteria provided, single submitter. Criteria: Invitae Variant Classification Sherloc (09022015). Collection method: clinical testing. Allele origin: germline.
Comment: In summary, the available evidence is currently insufficient to determine the role of this variant in disease. Therefore, it has been classified as a Variant of Uncertain Significance. This variant has not been reported in the literature in individuals affected with CDH23-related conditions. This variant results in a copy number gain of the genomic region encompassing exon(s) 31-70 of the CDH23 gene. This region includes the termination codon of the gene. This copy number gain extends beyond the assayed region for this gene and therefore may encompass additional genes. As the precise location of this event is unknown, it may be in tandem or it may be located elsewhere in the genome.